The following is an entry in ClinVar:

NM_015450.3(POT1):c.1805G>A (p.Trp602Ter)

Gene: POT1 (protection of telomeres 1; minus strand). Cytogenetic location: 7q31.33.
Variant type: single nucleotide variant.
Coding change: c.1805G>A on transcript NM_015450.3 (MANE Select); coding-DNA position 1805, G replaced by A.
Protein change: p.Trp602Ter; replaces tryptophan 602 with a stop codon.
Molecular consequence: nonsense. On other transcripts: non-coding transcript variant (3).
Genome position (GRCh38, 1-based): chr7:124,824,062, C>T on the plus strand (G>A on the coding strand, the complement: POT1 is on the minus strand). VCF-style: chr7-124824062-C-T. GRCh37 (hg19) VCF-style: chr7-124464116-C-T.
Other names: c.1412G>A, p.Trp471Ter (NM_001042594.2); short protein forms W471*, W602*.
Identifiers: ClinVar variation 857298 (VCV000857298.8), dbSNP rs996577534, ClinGen allele CA369061311.

ClinVar aggregate classification (germline): Uncertain significance (1 of 4 stars; one submission).

Conditions:
Tumor predisposition syndrome 3 (TPDS3). Also called: Melanoma, cutaneous malignant, susceptibility to, 10; Glioma susceptibility 9; LONG TELOMERE SYNDROME, POT1-RELATED; POT1 Tumor Predisposition. Identifiers: Orphanet 618, MedGen C4014476, MONDO:0014368, OMIM 615848.

Submission:

Labcorp Genetics (formerly Invitae), Labcorp
Classification: Uncertain significance for Tumor predisposition syndrome 3. Last evaluated: 2019-12-16. Review status: criteria provided, single submitter. Criteria: Invitae Variant Classification Sherloc (09022015). Collection method: clinical testing. Allele origin: germline.
Comment: In summary, the available evidence is currently insufficient to determine the role of this variant in disease. Therefore, it has been classified as a Variant of Uncertain Significance. Algorithms developed to predict the effect of sequence changes on RNA splicing suggest that this variant may create or strengthen a splice site, but this prediction has not been confirmed by published transcriptional studies. This variant has not been reported in the literature in individuals with POT1-related conditions. This variant is not present in population databases (ExAC no frequency). This sequence change results in a premature translational stop signal in the POT1 gene (p.Trp602*). While this is not anticipated to result in nonsense mediated decay, it is expected to disrupt the last 33 amino acids of the POT1 protein.